The following is an entry in ClinVar:

NM_000059.4(BRCA2):c.5511dup (p.Glu1838Ter)

Gene: BRCA2 (BRCA2 DNA repair associated; plus strand). Cytogenetic location: 13q13.1.
Variant type: Duplication.
Coding change: c.5511dup on transcript NM_000059.4 (MANE Select); coding-DNA position 5511, one base duplicated (T; older notation c.5511dupT).
Protein change: p.Glu1838Ter; replaces glutamic acid 1838 with a stop codon.
Molecular consequence: nonsense.
Genome position (GRCh38, 1-based): chr13:32,339,866, T duplicated; the last of 4 consecutive T bases (chr13:32,339,863-32,339,866); duplicating any one gives the same sequence. VCF-style (leftmost placement, unchanged base first): chr13-32339862-A-AT. GRCh37 (hg19) VCF-style: chr13-32913999-A-AT.
Other names: c.5511dupT (NM_000059.4); short protein forms E1838*.
Identifiers: ClinVar variation 1330014 (VCV001330014.4), dbSNP rs2137518141, ClinGen allele CA2573053813.

ClinVar aggregate classification (germline): Pathogenic/Likely pathogenic. Review status: criteria provided, multiple submitters, no conflicts (2 of 4 stars). 3 submissions from 3 submitters: Pathogenic (2); Likely pathogenic (1). Last evaluated 2026-01-26.

Conditions:
Hereditary breast ovarian cancer syndrome. Also called: Hereditary breast and ovarian cancer syndrome; Hereditary breast and ovarian cancer; Hereditary breast and ovarian cancer syndrome (HBOC); BRCA1- and BRCA2-Associated Hereditary Breast and Ovarian Cancer; Hereditary breast and/or ovarian cancer syndrome; Breast and ovarian cancer. Identifiers: Orphanet 145, MedGen C0677776, MeSH D061325, MONDO:0003582. Disease mechanism: loss of function.

Submissions (3):

Women's Health and Genetics/Laboratory Corporation of America, LabCorp
Classification: Pathogenic for Hereditary breast ovarian cancer syndrome. Last evaluated: 2026-01-26. Review status: criteria provided, single submitter. Criteria: LabCorp Variant Classification Summary - May 2015. Collection method: clinical testing. Allele origin: germline.
Comment: Variant summary: BRCA2 c.5511dupT (p.Glu1838X) results in a premature termination codon, predicted to cause a truncation of the encoded protein or absence of the protein due to nonsense mediated decay, which are commonly known mechanisms for disease. The variant was absent in 250144 control chromosomes. To our knowledge, no occurrence of c.5511dupT in individuals affected with BRCA2-related conditions and no experimental evidence demonstrating its impact on protein function have been reported. ClinVar contains an entry for this variant (Variation ID: 1330014). Based on the evidence outlined above, the variant was classified as pathogenic.

Labcorp Genetics (formerly Invitae), Labcorp
Classification: Pathogenic for Hereditary breast ovarian cancer syndrome. Last evaluated: 2024-06-04. Review status: criteria provided, single submitter. Criteria: Invitae Variant Classification Sherloc (09022015). Collection method: clinical testing. Allele origin: germline.
Comment: This sequence change creates a premature translational stop signal (p.Glu1838*) in the BRCA2 gene. It is expected to result in an absent or disrupted protein product. Loss-of-function variants in BRCA2 are known to be pathogenic (PMID: 20104584). This variant is not present in population databases (gnomAD no frequency). This variant has not been reported in the literature in individuals affected with BRCA2-related conditions. ClinVar contains an entry for this variant (Variation ID: 1330014). For these reasons, this variant has been classified as Pathogenic.

Quest Diagnostics Nichols Institute San Juan Capistrano
Classification: Likely pathogenic. Last evaluated: 2020-10-15. Review status: criteria provided, single submitter. Criteria: Quest Diagnostics criteria. Collection method: clinical testing. Allele origin: unknown.
Comment: This nonsense variant is predicted to cause the premature termination of BRCA2 protein synthesis. To the best of our knowledge, the variant has not been reported in the published literature. This variant has not been reported in large, multi-ethnic general populations. Based on the available information, we predict that the variant is likely pathogenic.

Literature cited by the submitters: PubMed 20104584 (cited by Labcorp Genetics (formerly Invitae), Labcorp).